The following is an entry in ClinVar:

NM_206933.4(USH2A):c.3518C>G (p.Ser1173Ter)

Genes: USH2A (usherin; minus strand), USH2A-AS1 (USH2A antisense RNA 1; plus strand). Cytogenetic location: 1q41.
Variant type: single nucleotide variant.
Coding change: c.3518C>G on transcript NM_206933.4 (MANE Select); coding-DNA position 3518, C replaced by G.
Protein change: p.Ser1173Ter; replaces serine 1173 with a stop codon.
Molecular consequence: nonsense.
Genome position (GRCh38, 1-based): chr1:216,199,920, G>C on the plus strand (C>G on the coding strand, the complement: USH2A is on the minus strand). VCF-style: chr1-216199920-G-C. GRCh37 (hg19) VCF-style: chr1-216373262-G-C.
Other names: c.3518C>G, p.Ser1173Ter (NM_007123.6); short protein forms S1173*.
Identifiers: ClinVar variation 5013345 (VCV005013345.1).
Genomic context (GRCh38, chr1:216,199,920, plus strand): 5'-TGACCACCAGCCAAAGGGGCACAGGACAAAATATATTTCTCTATGGGACCAGATTGATTT[G>C]AGAGTGTTGTCCAGGTAAGTGTCACAGAGTCTGAGCCAATAGGAATGATATAACTTAAAG-3'

ClinVar aggregate classification (germline): Pathogenic (1 of 4 stars; one submission).

Conditions:
USH2A-related disorder. Also called: USH2A-related condition; USH2A-related disorders. Identifiers: MedGen CN239332.

Submission:

Myriad Genetics, Inc.
Classification: Pathogenic for USH2A-related disorder. Last evaluated: 2024-07-22. Review status: criteria provided, single submitter. Criteria: Myriad Autosomal Dominant, Autosomal Recessive and X-Linked Classification Criteria (2023). Collection method: clinical testing. Allele origin: unknown.
Comment: NM_206933.2(USH2A):c.3518C>G(S1173*) is expected to be pathogenic in the context of USH2A-related disorders. This variant is predicted to lead to an abnormal or absent protein product due to the creation of a premature termination codon in USH2A, a gene where loss-of-function variants are known to be pathogenic. Please note: this variant was assessed in the context of healthy population screening.